The following is an entry in ClinVar:

ClinVar aggregate classification (germline): Uncertain significance. Review status: criteria provided, single submitter (1 of 4 stars). 2 submissions from 2 submitters: Uncertain significance (1). 1 of the submissions does not count toward it. Last evaluated 2025-10-07.

Conditions:
Cataract 44 (CTRCT44). Also called: CATARACT 44 AND HYPOTRICHOSIS. Identifiers: Orphanet 91492, Orphanet 98994, MedGen C4225300, MONDO:0014673, OMIM 616509.

Allele frequency attached by ClinVar (database versions not stated): gnomAD 0.00001; TOPMed 0.00001.
gnomAD v4.1: 21 of 1,613,690 alleles (0.0013%); highest among the groups gnomAD compares: East Asian, 0.0022%; no homozygotes.

Submissions (2):

Labcorp Genetics (formerly Invitae), Labcorp
Classification: Uncertain significance. Last evaluated: 2025-10-07. Review status: criteria provided, single submitter. Criteria: Invitae Variant Classification Sherloc (09022015). Collection method: clinical testing. Allele origin: germline.
Comment: This sequence change replaces tryptophan, which is neutral and slightly polar, with cysteine, which is neutral and slightly polar, at codon 629 of the LSS protein (p.Trp629Cys). The frequency data for this variant in the population databases is considered unreliable, as metrics indicate poor data quality at this position in the gnomAD database. This missense change has been observed in individual(s) with clinical features of LSS-related conditions (PMID: 29016354, 33222230). ClinVar contains an entry for this variant (Variation ID: 599318). An algorithm developed to predict the effect of missense changes on protein structure and function (PolyPhen-2) suggests that this variant is likely to be disruptive. Experimental studies have shown that this missense change affects LSS function (PMID: 35413293). This variant disrupts the p.Trp629 amino acid residue in LSS. Other variant(s) that disrupt this residue have been determined to be pathogenic (PMID: 31322293). This suggests that this residue is clinically significant, and that variants that disrupt this residue are likely to be disease-causing. In summary, the available evidence is currently insufficient to determine the role of this variant in disease. Therefore, it has been classified as a Variant of Uncertain Significance.

OMIM
Classification: Pathogenic for CATARACT 44 AND HYPOTRICHOSIS. Last evaluated: 2022-02-10. Review status: no assertion criteria provided. Collection method: literature only. Allele origin: germline. Not counted in ClinVar's aggregate classification.

Literature cited by the submitters: PubMed 29016354 (cited by Labcorp Genetics (formerly Invitae), Labcorp); PubMed 33222230 (cited by Labcorp Genetics (formerly Invitae), Labcorp); PubMed 35413293 (cited by Labcorp Genetics (formerly Invitae), Labcorp); PubMed 31322293 (cited by Labcorp Genetics (formerly Invitae), Labcorp); Chen, X., Liu, L. Congenital cataract with LSS gene mutations: a new case report. J. Pediat. Endocr. Metab. 30: 1231-1235, 2017. (cited by OMIM).

NM_002340.6(LSS):c.1887G>T (p.Trp629Cys)

Gene: LSS (lanosterol synthase; minus strand). Cytogenetic location: 21q22.3.
Variant type: single nucleotide variant.
Coding change: c.1887G>T on transcript NM_002340.6 (MANE Select); coding-DNA position 1887, G replaced by T.
Protein change: p.Trp629Cys; replaces tryptophan 629 with cysteine.
Molecular consequence: missense variant.
Genome position (GRCh38, 1-based): chr21:46,194,592, C>A on the plus strand (G>T on the coding strand, the complement: LSS is on the minus strand). VCF-style: chr21-46194592-C-A. GRCh37 (hg19) VCF-style: chr21-47614506-C-A.
Other names: c.1887G>T, p.Trp629Cys (NM_001001438.3); c.1854G>T, p.Trp618Cys (NM_001145436.2); c.1647G>T, p.Trp549Cys (NM_001145437.2); short protein forms W629C, W549C, W618C.
Identifiers: ClinVar variation 599318 (VCV000599318.3), dbSNP rs764098604, ClinGen allele CA410546803.